The following is an entry in ClinVar:

NM_005932.4(MIPEP):c.1522A>C (p.Thr508Pro)

Gene: MIPEP (mitochondrial intermediate peptidase; minus strand). Cytogenetic location: 13q12.12.
Variant type: single nucleotide variant.
Coding change: c.1522A>C on transcript NM_005932.4 (MANE Select); coding-DNA position 1522, A replaced by C.
Protein change: p.Thr508Pro; replaces threonine 508 with proline.
Molecular consequence: missense variant.
Genome position (GRCh38, 1-based): chr13:23,837,573, T>G on the plus strand (A>C on the coding strand, the complement: MIPEP is on the minus strand). VCF-style: chr13-23837573-T-G. GRCh37 (hg19) VCF-style: chr13-24411712-T-G.
Other names: short protein forms T508P.
Identifiers: ClinVar variation 2126061 (VCV002126061.4), dbSNP rs1472859073, ClinGen allele CA387521785.

ClinVar aggregate classification (germline): Uncertain significance (1 of 4 stars; one submission).

Allele frequency attached by ClinVar (database versions not stated): gnomAD exomes below 0.00001.
gnomAD v4.1: 1 of 1,613,030 alleles (0.000062%); highest among the groups gnomAD compares: Admixed American, 0.0017%; no homozygotes.

Submission:

Labcorp Genetics (formerly Invitae), Labcorp
Classification: Uncertain significance. Last evaluated: 2022-07-04. Review status: criteria provided, single submitter. Criteria: Invitae Variant Classification Sherloc (09022015). Collection method: clinical testing. Allele origin: germline.
Comment: In summary, the available evidence is currently insufficient to determine the role of this variant in disease. Therefore, it has been classified as a Variant of Uncertain Significance. Algorithms developed to predict the effect of missense changes on protein structure and function (SIFT, PolyPhen-2, Align-GVGD) all suggest that this variant is likely to be disruptive. This variant has not been reported in the literature in individuals affected with MIPEP-related conditions. This variant is present in population databases (no rsID available, gnomAD 0.003%). This sequence change replaces threonine, which is neutral and polar, with proline, which is neutral and non-polar, at codon 508 of the MIPEP protein (p.Thr508Pro).